The following is an entry in ClinVar:

NM_001303052.2(MYT1L):c.706G>C (p.Asp236His)

Gene: MYT1L (myelin transcription factor 1 like; minus strand). Cytogenetic location: 2p25.3.
Variant type: single nucleotide variant.
Coding change: c.706G>C on transcript NM_001303052.2 (MANE Select); coding-DNA position 706, G replaced by C.
Protein change: p.Asp236His; replaces aspartic acid 236 with histidine.
Molecular consequence: missense variant.
Genome position (GRCh38, 1-based): chr2:1,923,063, C>G on the plus strand (G>C on the coding strand, the complement: MYT1L is on the minus strand). VCF-style: chr2-1923063-C-G. GRCh37 (hg19) VCF-style: chr2-1926835-C-G.
Other names: c.706G>C, p.Asp236His (NM_001329844.2, NM_001329845.1, NM_001329846.3 and 6 more transcripts); short protein forms D236H.
Identifiers: ClinVar variation 1309484 (VCV001309484.2), dbSNP rs1003039613, ClinGen allele CA345706912.

ClinVar aggregate classification (germline): Uncertain significance (1 of 4 stars; one submission).

Submission:

GeneDx
Classification: Uncertain significance. Last evaluated: 2019-10-15. Review status: criteria provided, single submitter. Criteria: GeneDx Variant Classification Process June 2021. Collection method: clinical testing. Allele origin: germline. Affected: yes.
Comment: Not observed in large population cohorts (Lek et al., 2016); In silico analysis, which includes protein predictors and evolutionary conservation, supports that this variant does not alter protein structure/function; Has not been previously published as pathogenic or benign to our knowledge